The following is an entry in ClinVar:

ClinVar aggregate classification (germline): Uncertain significance (1 of 4 stars; one submission).

Conditions:
Hyperekplexia 3 (HKPX3). Also called: HYPEREKPLEXIA 3, AUTOSOMAL RECESSIVE; HYPEREKPLEXIA 3, AUTOSOMAL DOMINANT. Identifiers: Orphanet 3197, MedGen C3553288, MONDO:0013827, OMIM 614618.

Submission:

Labcorp Genetics (formerly Invitae), Labcorp
Classification: Uncertain significance for Hyperekplexia 3. Last evaluated: 2021-11-05. Review status: criteria provided, single submitter. Criteria: Invitae Variant Classification Sherloc (09022015). Collection method: clinical testing. Allele origin: germline.
Comment: This sequence change replaces asparagine, which is neutral and polar, with aspartic acid, which is acidic and polar, at codon 534 of the SLC6A5 protein (p.Asn534Asp). This variant is not present in population databases (gnomAD no frequency). This variant has not been reported in the literature in individuals affected with SLC6A5-related conditions. Advanced modeling of protein sequence and biophysical properties (such as structural, functional, and spatial information, amino acid conservation, physicochemical variation, residue mobility, and thermodynamic stability) performed at Invitae indicates that this missense variant is not expected to disrupt SLC6A5 protein function. In summary, the available evidence is currently insufficient to determine the role of this variant in disease. Therefore, it has been classified as a Variant of Uncertain Significance.

NM_004211.5(SLC6A5):c.1600A>G (p.Asn534Asp)

Gene: SLC6A5 (solute carrier family 6 member 5; plus strand). Cytogenetic location: 11p15.1.
Variant type: single nucleotide variant.
Coding change: c.1600A>G on transcript NM_004211.5 (MANE Select); coding-DNA position 1600, A replaced by G.
Protein change: p.Asn534Asp; replaces asparagine 534 with aspartic acid.
Molecular consequence: missense variant.
Genome position (GRCh38, 1-based): chr11:20,630,791, A>G. VCF-style: chr11-20630791-A-G. GRCh37 (hg19) VCF-style: chr11-20652337-A-G.
Other names: c.898A>G, p.Asn300Asp (NM_001318369.2); short protein forms N300D, N534D.
Identifiers: ClinVar variation 1391485 (VCV001391485.6), dbSNP rs2133803118, ClinGen allele CA379917611.